The following is an entry in ClinVar:

ClinVar aggregate classification (germline): Uncertain significance (1 of 4 stars; one submission).

Conditions:
Charcot-Marie-Tooth disease, type I (CMT1). Also called: Charcot-Marie-Tooth disease type 1; Charcot-Marie-Tooth, Type 1. Identifiers: Orphanet 65753, MedGen C0751036, MONDO:0019011.

Allele frequency attached by ClinVar (database versions not stated): gnomAD exomes below 0.00001; gnomAD 0.00001.
gnomAD v4.1: 6 of 1,614,126 alleles (0.00037%); highest among the groups gnomAD compares: Non-Finnish European, 0.00051%; no homozygotes.

Submission:

Labcorp Genetics (formerly Invitae), Labcorp
Classification: Uncertain significance for Charcot-Marie-Tooth disease, type I. Last evaluated: 2021-01-12. Review status: criteria provided, single submitter. Criteria: Invitae Variant Classification Sherloc (09022015). Collection method: clinical testing. Allele origin: germline.
Comment: In summary, the available evidence is currently insufficient to determine the role of this variant in disease. Therefore, it has been classified as a Variant of Uncertain Significance. Algorithms developed to predict the effect of missense changes on protein structure and function are either unavailable or do not agree on the potential impact of this missense change (SIFT: "Deleterious"; PolyPhen-2: "Benign"; Align-GVGD: "Class C25"). This variant has not been reported in the literature in individuals with MPZ-related conditions. This variant is not present in population databases (ExAC no frequency). This sequence change replaces isoleucine with threonine at codon 77 of the MPZ protein (p.Ile77Thr). The isoleucine residue is highly conserved and there is a moderate physicochemical difference between isoleucine and threonine.

NM_000530.8(MPZ):c.230T>C (p.Ile77Thr)

Gene: MPZ (myelin protein zero; minus strand). Cytogenetic location: 1q23.3.
Variant type: single nucleotide variant.
Coding change: c.230T>C on transcript NM_000530.8 (MANE Select); coding-DNA position 230, T replaced by C.
Protein change: p.Ile77Thr; replaces isoleucine 77 with threonine.
Molecular consequence: missense variant.
Genome position (GRCh38, 1-based): chr1:161,307,262, A>G on the plus strand (T>C on the coding strand, the complement: MPZ is on the minus strand). VCF-style: chr1-161307262-A-G. GRCh37 (hg19) VCF-style: chr1-161277052-A-G.
Other names: c.230T>C, p.Ile77Thr (NM_001315491.2); short protein forms I77T.
Identifiers: ClinVar variation 1501252 (VCV001501252.8), dbSNP rs540599381, ClinGen allele CA31669381.